The following is an entry in ClinVar:

ClinVar aggregate classification (germline): Conflicting classifications of pathogenicity. Review status: criteria provided, conflicting classifications (1 of 4 stars). 2 submissions from 2 submitters: Uncertain significance (1); Likely benign (1). Last evaluated 2022-08-27.

Conditions:
Colorectal cancer, hereditary nonpolyposis, type 7. Identifiers: Orphanet 144, MedGen C1858380, MONDO:0013725, OMIM 614385.

Allele frequency attached by ClinVar (database versions not stated): ExAC 0.00001; gnomAD 0.00001.
gnomAD v4.1: 16 of 1,613,990 alleles (0.00099%); highest among the groups gnomAD compares: Admixed American, 0.005%; no homozygotes.

Submissions (2):

Labcorp Genetics (formerly Invitae), Labcorp
Classification: Uncertain significance for Colorectal cancer, hereditary nonpolyposis, type 7. Last evaluated: 2022-08-27. Review status: criteria provided, single submitter. Criteria: Invitae Variant Classification Sherloc (09022015). Collection method: clinical testing. Allele origin: germline.
Comment: This variant is present in population databases (rs770819541, gnomAD 0.006%). This sequence change replaces proline, which is neutral and non-polar, with leucine, which is neutral and non-polar, at codon 1008 of the MLH3 protein (p.Pro1008Leu). This variant has not been reported in the literature in individuals affected with MLH3-related conditions. In summary, the available evidence is currently insufficient to determine the role of this variant in disease. Therefore, it has been classified as a Variant of Uncertain Significance. Algorithms developed to predict the effect of missense changes on protein structure and function output the following: SIFT: "Tolerated"; PolyPhen-2: "Benign"; Align-GVGD: "Class C0". The leucine amino acid residue is found in multiple mammalian species, which suggests that this missense change does not adversely affect protein function.

Ambry Genetics
Classification: Likely benign. Last evaluated: 2021-06-03. Review status: criteria provided, single submitter. Criteria: Ambry Variant Classification Scheme 2023. Collection method: clinical testing. Allele origin: germline.

NM_001040108.2(MLH3):c.3023C>T (p.Pro1008Leu)

Gene: MLH3 (mutL homolog 3; minus strand). Cytogenetic location: 14q24.3.
Variant type: single nucleotide variant.
Coding change: c.3023C>T on transcript NM_001040108.2 (MANE Select); coding-DNA position 3023, C replaced by T.
Protein change: p.Pro1008Leu; replaces proline 1008 with leucine.
Molecular consequence: missense variant.
Genome position (GRCh38, 1-based): chr14:75,046,633, G>A on the plus strand (C>T on the coding strand, the complement: MLH3 is on the minus strand). VCF-style: chr14-75046633-G-A. GRCh37 (hg19) VCF-style: chr14-75513336-G-A.
Other names: c.3023C>T, p.Pro1008Leu (NM_014381.3); short protein forms P1008L.
Identifiers: ClinVar variation 1798943 (VCV001798943.7), dbSNP rs770819541, ClinGen allele CA7275601.